The following is an entry in ClinVar:

NM_000098.3(CPT2):c.733G>A (p.Val245Ile)

Gene: CPT2 (carnitine palmitoyltransferase 2; plus strand). Cytogenetic location: 1p32.3.
Variant type: single nucleotide variant.
Coding change: c.733G>A on transcript NM_000098.3 (MANE Select); coding-DNA position 733, G replaced by A.
Protein change: p.Val245Ile; replaces valine 245 with isoleucine.
Molecular consequence: missense variant.
Genome position (GRCh38, 1-based): chr1:53,210,407, G>A. VCF-style: chr1-53210407-G-A. GRCh37 (hg19) VCF-style: chr1-53676079-G-A.
Other names: c.733G>A, p.Val245Ile (NM_001330589.2); short protein forms V245I.
Identifiers: ClinVar variation 1499069 (VCV001499069.6), dbSNP rs748117051, ClinGen allele CA859040.
Genomic context (GRCh38, chr1:53,210,407, plus strand): 5'-CGTTTACCCAAACCCAGTCGGGATGAACTCTTCACTGATGACAAGGCCAGACACCTCCTG[G>A]TCCTAAGGAAAGGAAATTTTTATATCTTTGATGTCCTGGATCAAGATGGGAACATTGTGA-3'
Protein context (NP_000089.1, residues 235-255): FTDDKARHLL[Val245Ile]LRKGNFYIFD

ClinVar aggregate classification (germline): Uncertain significance (1 of 4 stars; one submission).

Conditions:
Carnitine palmitoyltransferase II deficiency. Also called: Carnitine Palmitoyltransferase 2 Deficiency. Identifiers: Orphanet 157, MedGen C0342790, MONDO:0015515.

Allele frequency attached by ClinVar (database versions not stated): TOPMed below 0.00001; ExAC 0.00001; gnomAD 0.00001; gnomAD exomes 0.00001.
gnomAD v4.1: 17 of 1,614,018 alleles (0.0011%); highest among the groups gnomAD compares: Non-Finnish European, 0.0014%; no homozygotes.

Submission:

Labcorp Genetics (formerly Invitae), Labcorp
Classification: Uncertain significance for Carnitine palmitoyltransferase II deficiency. Last evaluated: 2024-08-06. Review status: criteria provided, single submitter. Criteria: Invitae Variant Classification Sherloc (09022015). Collection method: clinical testing. Allele origin: germline.
Comment: This sequence change replaces valine, which is neutral and non-polar, with isoleucine, which is neutral and non-polar, at codon 245 of the CPT2 protein (p.Val245Ile). This variant is present in population databases (rs748117051, gnomAD 0.003%). This variant has not been reported in the literature in individuals affected with CPT2-related conditions. ClinVar contains an entry for this variant (Variation ID: 1499069). Advanced modeling of protein sequence and biophysical properties (such as structural, functional, and spatial information, amino acid conservation, physicochemical variation, residue mobility, and thermodynamic stability) performed at Invitae indicates that this missense variant is not expected to disrupt CPT2 protein function with a negative predictive value of 80%. In summary, the available evidence is currently insufficient to determine the role of this variant in disease. Therefore, it has been classified as a Variant of Uncertain Significance.